The following is an entry in ClinVar:

NM_000463.3(UGT1A1):c.584G>A (p.Arg195Lys)

Genes: UGT1A3 (UDP glucuronosyltransferase family 1 member A3; plus strand), UGT1A8 (UDP glucuronosyltransferase family 1 member A8; plus strand), UGT1A7 (UDP glucuronosyltransferase family 1 member A7; plus strand), UGT1A9 (UDP glucuronosyltransferase family 1 member A9; plus strand), UGT1A (UDP glucuronosyltransferase family 1 member A complex locus; plus strand) and 5 more. Cytogenetic location: 2q37.1.
Variant type: single nucleotide variant.
Coding change: c.584G>A on transcript NM_000463.3 (MANE Select); coding-DNA position 584, G replaced by A.
Protein change: p.Arg195Lys; replaces arginine 195 with lysine.
Molecular consequence: missense variant. On other transcripts: intron variant (9).
Genome position (GRCh38, 1-based): chr2:233,760,871, G>A. VCF-style: chr2-233760871-G-A. GRCh37 (hg19) VCF-style: chr2-234669517-G-A.
Other names: c.856-6163G>A (NM_019076.5, NM_019075.4, NM_021027.3 and 1 more transcripts); c.61-6163G>A (NM_205862.3); c.862-6163G>A (NM_001072.4); c.868-6163G>A (NM_019078.2, NM_007120.3, NM_019093.4); short protein forms R195K.
Identifiers: ClinVar variation 897407 (VCV000897407.11), dbSNP rs767764203, ClinGen allele CA2179849.

ClinVar aggregate classification (germline): Uncertain significance. Review status: criteria provided, multiple submitters, no conflicts (2 of 4 stars). 6 submissions from 4 submitters: Uncertain significance (5). 1 of the submissions does not count toward it. Last evaluated 2025-06-07.

Conditions:
Lucey-Driscoll syndrome (HBLRTFN). Also called: Transient familial neonatal hyperbilirubinemia. Identifiers: Orphanet 2312, MedGen C0270210, MONDO:0009383, OMIM 237900.
Gilbert syndrome. Also called: Gilbert Disease; HYPERBILIRUBINEMIA, GILBERT TYPE; HYPERBILIRUBINEMIA I; HYPERBILIRUBINEMIA, ARIAS TYPE; Gilbert's syndrome. Identifiers: MedGen C0017551, MONDO:0007745, OMIM 143500.
Crigler-Najjar syndrome. Identifiers: Orphanet 205, MedGen C5551003, MONDO:0009044.
UGT1A1-related disorder. Also called: UGT1A1-related condition; UGT1A1-related disorders.
Inborn genetic diseases. Identifiers: MedGen C0950123, MeSH D030342.

Allele frequency attached by ClinVar (database versions not stated): ExAC 0.00002; gnomAD exomes 0.00003 and 0.00004; TOPMed 0.00003; gnomAD 0.00015 and 0.00016.
gnomAD v4.1: 84 of 1,614,010 alleles (0.0052%); highest among the groups gnomAD compares: Non-Finnish European, 0.0052%; no homozygotes.

Submissions (6):

Labcorp Genetics (formerly Invitae), Labcorp
Classification: Uncertain significance. Last evaluated: 2025-06-07. Review status: criteria provided, single submitter. Criteria: Invitae Variant Classification Sherloc (09022015). Collection method: clinical testing. Allele origin: germline.
Comment: This sequence change replaces arginine, which is basic and polar, with lysine, which is basic and polar, at codon 195 of the UGT1A1 protein (p.Arg195Lys). This variant is present in population databases (rs767764203, gnomAD 0.02%). This variant has not been reported in the literature in individuals affected with UGT1A1-related conditions. ClinVar contains an entry for this variant (Variation ID: 897407). An algorithm developed to predict the effect of missense changes on protein structure and function (PolyPhen-2) suggests that this variant is likely to be tolerated. In summary, the available evidence is currently insufficient to determine the role of this variant in disease. Therefore, it has been classified as a Variant of Uncertain Significance.

Ambry Genetics
Classification: Uncertain significance for Inborn genetic diseases. Last evaluated: 2021-12-07. Review status: criteria provided, single submitter. Criteria: Ambry Variant Classification Scheme 2023. Collection method: clinical testing. Allele origin: germline.

Illumina Laboratory Services, Illumina
Classification: Uncertain significance for Crigler-Najjar syndrome. Last evaluated: 2018-01-13. Review status: criteria provided, single submitter. Criteria: ICSL Variant Classification Criteria 13 December 2019. Collection method: clinical testing. Allele origin: germline.

Illumina Laboratory Services, Illumina
Classification: Uncertain significance for Lucey-Driscoll syndrome. Last evaluated: 2018-01-13. Review status: criteria provided, single submitter. Criteria: ICSL Variant Classification Criteria 13 December 2019. Collection method: clinical testing. Allele origin: germline.

Illumina Laboratory Services, Illumina
Classification: Uncertain significance for Gilbert syndrome. Last evaluated: 2018-01-13. Review status: criteria provided, single submitter. Criteria: ICSL Variant Classification Criteria 13 December 2019. Collection method: clinical testing. Allele origin: germline.

PreventionGenetics, part of Exact Sciences
Classification: Uncertain significance for UGT1A1-related condition. Last evaluated: 2024-06-25. Review status: no assertion criteria provided. Collection method: clinical testing. Allele origin: germline. Not counted in ClinVar's aggregate classification.
Comment: The UGT1A1 c.584G>A variant is predicted to result in the amino acid substitution p.Arg195Lys. To our knowledge, this variant has not been reported in the literature. This variant is reported in 0.015% of alleles in individuals of European (Non-Finnish) descent in gnomAD. At this time, the clinical significance of this variant is uncertain due to the absence of conclusive functional and genetic evidence.